The following is an entry in ClinVar:

ClinVar aggregate classification (germline): Uncertain significance. Review status: criteria provided, multiple submitters, no conflicts (2 of 4 stars). 4 submissions from 4 submitters: Uncertain significance (2). 2 of the submissions do not count toward it. Last evaluated 2022-07-08.

Conditions:
Hereditary fructosuria. Also called: Hereditary fructose intolerance; ALDOB DEFICIENCY; ALDOLASE B DEFICIENCY; FRUCTOSE-1,6-BISPHOSPHATE ALDOLASE B DEFICIENCY; FRUCTOSE-1-PHOSPHATE ALDOLASE DEFICIENCY; FRUCTOSEMIA. Identifiers: Orphanet 469, MedGen C0016751, MONDO:0009249, OMIM 229600, HP:0005973. Disease mechanism: loss of function.

Allele frequency attached by ClinVar (database versions not stated): ExAC 0.00002; TOPMed 0.00003; gnomAD 0.00004.
gnomAD v4.1: 27 of 1,614,068 alleles (0.0017%); highest among the groups gnomAD compares: Non-Finnish European, 0.0022%; no homozygotes.

Submissions (4):

Labcorp Genetics (formerly Invitae), Labcorp
Classification: Uncertain significance for Hereditary fructosuria. Last evaluated: 2022-07-08. Review status: criteria provided, single submitter. Criteria: Invitae Variant Classification Sherloc (09022015). Collection method: clinical testing. Allele origin: germline.
Comment: This sequence change replaces tryptophan, which is neutral and slightly polar, with arginine, which is basic and polar, at codon 148 of the ALDOB protein (p.Trp148Arg). This variant is present in population databases (rs118204430, gnomAD 0.007%). This missense change has been observed in individual(s) with ALDOB-related conditions (PMID: 7717389). ClinVar contains an entry for this variant (Variation ID: 475). Algorithms developed to predict the effect of missense changes on protein structure and function (SIFT, PolyPhen-2, Align-GVGD) all suggest that this variant is likely to be disruptive. Experimental studies have shown that this missense change affects ALDOB function (PMID: 12417303). In summary, the available evidence is currently insufficient to determine the role of this variant in disease. Therefore, it has been classified as a Variant of Uncertain Significance.

Women's Health and Genetics/Laboratory Corporation of America, LabCorp
Classification: Uncertain significance. Last evaluated: 2022-05-26. Review status: criteria provided, single submitter. Criteria: LabCorp Variant Classification Summary - May 2015. Collection method: clinical testing. Allele origin: germline.
Comment: Variant summary: ALDOB c.442T>C (p.Trp148Arg) results in a non-conservative amino acid change in the encoded protein sequence. Five of five in-silico tools predict a damaging effect of the variant on protein function. The variant allele was found at a frequency of 2.8e-05 in 251184 control chromosomes. c.442T>C has been reported in the literature as a compound heterozygous genotype in at-least one individual affected with Hereditary Fructose Intolerance (example, Ali_1995 cited in Pinheiro_2021). At least one publication reports experimental evidence evaluating an impact on protein function (example, Rellos_2000). The most pronounced variant effect results in 16-20% of normal aldolase enzyme activity in vitro. One clinical diagnostic laboratory has submitted clinical-significance assessments for this variant to ClinVar after 2014 and classified the variant as pathogenic citing overlapping evidence utilized in the context of this evaluation. Based on the evidence outlined above, until additional clinical reports supported by published/peer consensus are obtained, the variant was classified as VUS-possibly pathogenic.

ATS em Genética Clínica, Universidade Federal do Rio Grande do Sul
Classification: Pathogenic for Hereditary fructosuria. Last evaluated: 2021-03-18. Review status: no assertion criteria provided. Collection method: literature only. Allele origin: unknown. Affected: yes. Not counted in ClinVar's aggregate classification.

OMIM
Classification: Pathogenic for FRUCTOSE INTOLERANCE, HEREDITARY. Last evaluated: 1995-04-01. Review status: no assertion criteria provided. Collection method: literature only. Allele origin: germline. Not counted in ClinVar's aggregate classification.

Literature cited by the submitters: PubMed 7717389 (cited by 4 submitters); PubMed 12417303 (cited by Labcorp Genetics (formerly Invitae), Labcorp); PubMed 34524712 (cited by Women's Health and Genetics/Laboratory Corporation of America, LabCorp); PubMed 10625657 (cited by Women's Health and Genetics/Laboratory Corporation of America, LabCorp).

NM_000035.4(ALDOB):c.442T>C (p.Trp148Arg)

Gene: ALDOB (aldolase, fructose-bisphosphate B; minus strand). Cytogenetic location: 9q31.1.
Variant type: single nucleotide variant.
Coding change: c.442T>C on transcript NM_000035.4 (MANE Select); coding-DNA position 442, T replaced by C.
Protein change: p.Trp148Arg; replaces tryptophan 148 with arginine.
Molecular consequence: missense variant.
Genome position (GRCh38, 1-based): chr9:101,427,580, A>G on the plus strand (T>C on the coding strand, the complement: ALDOB is on the minus strand). VCF-style: chr9-101427580-A-G. GRCh37 (hg19) VCF-style: chr9-104189862-A-G.
Other names: W147R; c.442T>C, p.Trp148Arg (LRG_1244t1); c.442T>C (NM_000035.3); short protein forms W148R.
Identifiers: ClinVar variation 475 (VCV000000475.6), dbSNP rs118204430, ClinGen allele CA114314.
Genomic context (GRCh38, chr9:101,427,580, plus strand): 5'-CGTTTTCCTGGATAGCGAGGCTGGATGGACACTGGTCGGCAATCCTCAGCACAGCACGCC[A>G]CTTCCCAAAGTCAACACCATCTTTCTTGTACTGAGCACAGCGCTCTGAGAGGCCATCAAG-3'
Protein context (NP_000026.2, residues 138-158): YKKDGVDFGK[Trp148Arg]RAVLRIADQC